The following is an entry in ClinVar:

ClinVar aggregate classification (germline): Pathogenic/Likely pathogenic. Review status: criteria provided, multiple submitters, no conflicts (2 of 4 stars). 2 submissions from 2 submitters: Pathogenic (1); Likely pathogenic (1). Last evaluated 2024-01-24.

Conditions:
RAB28-related disorder. Also called: RAB28-related condition.

Submissions (2):

Labcorp Genetics (formerly Invitae), Labcorp
Classification: Pathogenic. Last evaluated: 2024-01-24. Review status: criteria provided, single submitter. Criteria: Invitae Variant Classification Sherloc (09022015). Collection method: clinical testing. Allele origin: germline.
Comment: This sequence change creates a premature translational stop signal (p.Thr44Asnfs*37) in the RAB28 gene. It is expected to result in an absent or disrupted protein product. Loss-of-function variants in RAB28 are known to be pathogenic (PMID: 23746546, 25356532, 27529348). This variant is not present in population databases (gnomAD no frequency). This premature translational stop signal has been observed in individual(s) with cone-rod dystrophy (Invitae). ClinVar contains an entry for this variant (Variation ID: 1009564). For these reasons, this variant has been classified as Pathogenic.

Blueprint Genetics
Classification: Likely pathogenic for RAB28-related disorders. Last evaluated: 2018-04-15. Review status: criteria provided, single submitter. Criteria: ACMG Guidelines, 2015. Collection method: clinical testing. Allele origin: germline. Affected: yes. Observed: 1 variant allele.

Literature cited by the submitters: PubMed 23746546 (cited by Labcorp Genetics (formerly Invitae), Labcorp); PubMed 25356532 (cited by Labcorp Genetics (formerly Invitae), Labcorp); PubMed 27529348 (cited by Labcorp Genetics (formerly Invitae), Labcorp).

NM_001017979.3(RAB28):c.131_132del (p.Thr44fs)

Gene: RAB28 (RAB28, member RAS oncogene family; minus strand). Cytogenetic location: 4p15.33.
Variant type: Deletion.
Coding change: c.131_132del on transcript NM_001017979.3 (MANE Select); coding-DNA positions 131 to 132, 2 bases deleted (CT; older notation c.131_132delCT).
Protein change: p.Thr44fs; shifts the reading frame from threonine 44.
Molecular consequence: frameshift variant.
Genome position (GRCh38, 1-based): chr4:13,479,470-13,479,471, AG deleted on the plus strand (CT on the coding strand, the reverse complement: RAB28 is on the minus strand). VCF-style (leftmost placement, unchanged base first): chr4-13479469-TAG-T. GRCh37 (hg19) VCF-style: chr4-13481093-TAG-T.
Other names: c.131_132del, p.Thr44fs (NM_001159601.2, NM_004249.4); short protein forms T44fs.
Identifiers: ClinVar variation 1009564 (VCV001009564.9), dbSNP rs1716511604, ClinGen allele CA1439666300.